The following is an entry in ClinVar:

NC_000002.11:g.(?_136545894)_(136564986_?)dup

Gene: LCT (lactase; minus strand). Cytogenetic location: 2q21.3.
Variant type: Duplication.
Identifiers: ClinVar variation 1482318 (VCV001482318.5).

ClinVar aggregate classification (germline): Uncertain significance (1 of 4 stars; one submission).

Submission:

Labcorp Genetics (formerly Invitae), Labcorp
Classification: Uncertain significance. Last evaluated: 2022-08-16. Review status: criteria provided, single submitter. Criteria: Invitae Variant Classification Sherloc (09022015). Collection method: clinical testing. Allele origin: germline.
Comment: In summary, the available evidence is currently insufficient to determine the role of this variant in disease. Therefore, it has been classified as a Variant of Uncertain Significance. This variant has not been reported in the literature in individuals affected with LCT-related conditions. This variant results in a copy number gain of the genomic region encompassing exon(s) 9-17 of the LCT gene. This region includes the termination codon of the gene. This copy number gain extends beyond the assayed region for this gene and therefore may encompass additional genes. As the precise location of this event is unknown, it may be in tandem or it may be located elsewhere in the genome.